The following is an entry in ClinVar:

ClinVar aggregate classification (germline): Uncertain significance (1 of 4 stars; one submission).

Conditions:
Surfactant metabolism dysfunction, pulmonary, 4 (SMDP4). Also called: CSF2RA DEFICIENCY; PAP DUE TO CSF2RA DEFICIENCY; PULMONARY ALVEOLAR PROTEINOSIS, CONGENITAL, 4. Identifiers: Orphanet 264675, MedGen C2677877, MONDO:0010424, OMIM 300770.

Allele frequency attached by ClinVar (database versions not stated): TOPMed below 0.00001; ExAC 0.00006.
gnomAD v4.1: 22 of 1,613,616 alleles (0.0014%); highest among the groups gnomAD compares: Non-Finnish European, 0.0018%; no homozygotes.

Submission:

Labcorp Genetics (formerly Invitae), Labcorp
Classification: Uncertain significance for Surfactant metabolism dysfunction, pulmonary, 4. Last evaluated: 2023-03-04. Review status: criteria provided, single submitter. Criteria: Invitae Variant Classification Sherloc (09022015). Collection method: clinical testing. Allele origin: germline.
Comment: This sequence change replaces asparagine, which is neutral and polar, with serine, which is neutral and polar, at codon 223 of the CSF2RA protein (p.Asn223Ser). This variant is present in population databases (no rsID available, gnomAD 0.008%). This variant has not been reported in the literature in individuals affected with CSF2RA-related conditions. ClinVar contains an entry for this variant (Variation ID: 537341). Advanced modeling of protein sequence and biophysical properties (such as structural, functional, and spatial information, amino acid conservation, physicochemical variation, residue mobility, and thermodynamic stability) performed at Invitae indicates that this missense variant is expected to disrupt CSF2RA protein function. Algorithms developed to predict the effect of sequence changes on RNA splicing suggest that this variant may create or strengthen a splice site. In summary, the available evidence is currently insufficient to determine the role of this variant in disease. Therefore, it has been classified as a Variant of Uncertain Significance.

NM_172245.4(CSF2RA):c.668A>G (p.Asn223Ser)

Gene: CSF2RA (colony stimulating factor 2 receptor subunit alpha; plus strand). Cytogenetic location: Xp22.33.
Variant type: single nucleotide variant.
Coding change: c.668A>G on transcript NM_172245.4 (MANE Select); coding-DNA position 668, A replaced by G.
Protein change: p.Asn223Ser; replaces asparagine 223 with serine.
Molecular consequence: missense variant. On other transcripts: non-coding transcript variant (1), intron variant (1).
Genome position (GRCh38, 1-based): chrX:1,294,349, A>G. VCF-style: chrX-1294349-A-G. GRCh37 (hg19) VCF-style: chrX-1413242-A-G.
Other names: c.668A>G, p.Asn223Ser (NM_001161529.2, NM_001161530.2, NM_001161531.2 and 18 more transcripts); c.269A>G, p.Asn90Ser (NM_001161532.2); c.649A>G, p.Met217Val (NM_001379166.1); c.646+3840A>G (NM_172249.4); short protein forms N223S, N90S, M217V.
Identifiers: ClinVar variation 537341 (VCV000537341.7), dbSNP rs768648388, ClinGen allele CA10330941.